The following is an entry in ClinVar:

NM_018238.4(AGK):c.654C>A (p.Gly218=)

Gene: AGK (acylglycerol kinase; plus strand). Cytogenetic location: 7q34.
Variant type: single nucleotide variant.
Coding change: c.654C>A on transcript NM_018238.4 (MANE Select); coding-DNA position 654, C replaced by A.
Protein change: p.Gly218=; no amino-acid change (glycine 218 retained).
Molecular consequence: synonymous variant.
Genome position (GRCh38, 1-based): chr7:141,633,966, C>A. VCF-style: chr7-141633966-C-A. GRCh37 (hg19) VCF-style: chr7-141333766-C-A.
Other names: c.654C>A, p.Gly218= (NM_001364948.3); c.654C>A (NM_018238.3).
Identifiers: ClinVar variation 2146194 (VCV002146194.6), dbSNP rs144977618, ClinGen allele CA4517525.

ClinVar aggregate classification (germline): Likely benign. Review status: criteria provided, single submitter (1 of 4 stars). 2 submissions from 2 submitters: Likely benign (1). 1 of the submissions does not count toward it. Last evaluated 2024-12-24.

Conditions:
Cataract 38. Also called: Cataract, autosomal recessive congenital 5; Cataract 38, autosomal recessive. Identifiers: Orphanet 91492, MedGen C3553494, MONDO:0013859, OMIM 614691.
Sengers syndrome. Also called: MITOCHONDRIAL DNA DEPLETION SYNDROME 10 (CARDIOMYOPATHIC TYPE); Cardiomyopathy and cataract. Identifiers: Orphanet 1369, MedGen C1859317, MONDO:0008922, OMIM 212350.
AGK-related disorder. Also called: AGK-related condition; AGK-related disorders. Identifiers: MedGen CN239194.

Allele frequency attached by ClinVar (database versions not stated): ESP Exome Variant Server 0.00023.
gnomAD v4.1: 33 of 1,613,450 alleles (0.002%); highest among the groups gnomAD compares: South Asian, 0.026%; 1 homozygote.

Submissions (2):

Labcorp Genetics (formerly Invitae), Labcorp
Classification: Likely benign for Sengers syndrome; Cataract 38. Last evaluated: 2024-12-24. Review status: criteria provided, single submitter. Criteria: Invitae Variant Classification Sherloc (09022015). Collection method: clinical testing. Allele origin: germline.

PreventionGenetics, part of Exact Sciences
Classification: Likely benign for AGK-related condition. Last evaluated: 2019-08-13. Review status: no assertion criteria provided. Collection method: clinical testing. Allele origin: germline. Not counted in ClinVar's aggregate classification.
Comment: This variant is classified as likely benign based on ACMG/AMP sequence variant interpretation guidelines (Richards et al. 2015 PMID: 25741868, with internal and published modifications).